The following is an entry in ClinVar:

GRCh37/hg19 16q24.2(chr16:87416961-87910142)x1

Genes: ZCCHC14 (zinc finger CCHC-type containing 14; minus strand), FBXO31 (F-box protein 31; minus strand), ZCCHC14-DT (ZCCHC14 divergent transcript; plus strand), MAP1LC3B (microtubule associated protein 1 light chain 3 beta; plus strand), SLC7A5 (solute carrier family 7 member 5; minus strand) and 2 more. Cytogenetic location: 16q24.2.
Variant type: copy number loss.
Change: copy number 1 (one copy instead of two) of chr16:87,416,961-87,910,142 (493.2 kb, GRCh37 coordinates, 1-based), cytogenetic band 16q24.2.
Identifiers: ClinVar variation 4849876 (VCV004849876.1).

ClinVar aggregate classification (germline): Likely pathogenic (1 of 4 stars; one submission).

Submission:

MVZ Praenatalmedizin und Genetik Nuernberg
Classification: Likely pathogenic. Last evaluated: 2025-11-27. Review status: criteria provided, single submitter. Criteria: ACMG Guidelines, 2015. Collection method: clinical testing. Allele origin: unknown, maternal. Affected: yes. Observed: 4 variant alleles, 4 heterozygotes. Clinical features observed: Specific learning disability (HP:0001328), Intellectual disability (HP:0001249). Segregation with disease observed.
Comment: In a family that underwent genetic testing due to a history of learning disability and intellectual disability, a reduced gene dose in the form of a heterozygous deletion was detected in the 16q24.2 region of chromosome 16. This deletion includes the coding genes MAP1LC3B, ZCCHC14, KLHDC4, SLC7A5, FBXO31, and JPH3, with the last two genes listed being OMIM Morbid Genes. Comparable deletions in the region of the aforementioned heterozygous deletion identified here have not been annotated in the population-based gnomAD database or the DGV control database, indicating that the deletion is very rare. The ClinVar and Decipher databases contain several entries with comparable deletions that have been classified as unclear (VCV000154655.2; Decipher patients: 355808, 274894, 332844). The clinical features reported in these cases were developmental delay and intellectual disability. The region heterozygously deleted in the family includes, among others, the OMIM gene FBXO31, which has already been discussed in connection with developmental disorders (OMIM 615979). The literature contains several reports on various 16q24.2 deletions, in which, among other things, an association with developmental delay and intellectual disability has been described (PMID: 22407726, 23335808, 24719385, 35312147). Of particular note is the publication by Handrigan et al., 2013 (PMID: 23335808): In the study described, several patients with different 16q24.2 deletions were compared. It has been demonstrated that the 16q24.2 region is associated with neurodevelopmental disorders such as intellectual disability and autism spectrum disorders. The two genes specifically highlighted by the authors—FOXB31 and MAP1LC3B—are also affected by the deletion in this case. To investigate the clinical relevance of the 16q24.2 deletion to the phenotype present in the family studied, a segregation analysis was performed. The aforementioned deletion could only be detected in the four affected family members examined, but not in the unaffected family member examined. The deletion therefore segregates with the disorder. In summary, based on the current data, we assess this to be a likely pathogenic genetic alteration.

Literature cited by the submitters: PubMed 22407726; PubMed 23335808; PubMed 24719385; PubMed 35312147.